The following is an entry in ClinVar:

NM_000540.3(RYR1):c.14803+4A>C

Gene: RYR1 (ryanodine receptor 1; plus strand). Cytogenetic location: 19q13.2.
Variant type: single nucleotide variant.
Coding change: c.14803+4A>C on transcript NM_000540.3 (MANE Select); 4 bases into the intron after coding-DNA position 14803, A replaced by C.
Molecular consequence: intron variant.
Genome position (GRCh38, 1-based): chr19:38,585,103, A>C. VCF-style: chr19-38585103-A-C. GRCh37 (hg19) VCF-style: chr19-39075743-A-C.
Other names: c.14788+4A>C (NM_001042723.2).
Identifiers: ClinVar variation 3074452 (VCV003074452.3), dbSNP rs1974412533, ClinGen allele CA995723150.

ClinVar aggregate classification (germline): Uncertain significance. Review status: criteria provided, multiple submitters, no conflicts (2 of 4 stars). 2 submissions from 2 submitters: Uncertain significance (2). Last evaluated 2024-08-21.

Conditions:
Malignant hyperthermia, susceptibility to, 1 (MHS1). Also called: Anesthesia related hyperthermia; Malignant hyperpyrexia; Fulminating hyperpyrexia; Pharmacogenic myopathy; RYR1-Related Malignant Hyperthermia Susceptibility; Malignant hyperthermia suceptibility 1. Identifiers: Orphanet 423, MedGen C2930980, MONDO:0007783, OMIM 145600.
RYR1-related disorder. Also called: RYR1-related condition; RYR1-related disorders. Identifiers: MedGen CN239331.

Allele frequency attached by ClinVar (database versions not stated): gnomAD exomes below 0.00001; TOPMed below 0.00001; gnomAD 0.00001.
gnomAD v4.1: 2 of 1,613,414 alleles (0.00012%); highest among the groups gnomAD compares: Non-Finnish European, 0.00017%; no homozygotes.

Submissions (2):

Labcorp Genetics (formerly Invitae), Labcorp
Classification: Uncertain significance for RYR1-related disorder. Last evaluated: 2024-08-21. Review status: criteria provided, single submitter. Criteria: Invitae Variant Classification Sherloc (09022015). Collection method: clinical testing. Allele origin: germline.
Comment: This sequence change falls in intron 102 of the RYR1 gene. It does not directly change the encoded amino acid sequence of the RYR1 protein. It affects a nucleotide within the consensus splice site. This variant is not present in population databases (gnomAD no frequency). This variant has not been reported in the literature in individuals affected with RYR1-related conditions. Variants that disrupt the consensus splice site are a relatively common cause of aberrant splicing (PMID: 17576681, 9536098). Algorithms developed to predict the effect of sequence changes on RNA splicing suggest that this variant may disrupt the consensus splice site. In summary, the available evidence is currently insufficient to determine the role of this variant in disease. Therefore, it has been classified as a Variant of Uncertain Significance.

All of Us Research Program, National Institutes of Health
Classification: Uncertain significance for Malignant hyperthermia, susceptibility to, 1. Last evaluated: 2023-11-20. Review status: criteria provided, single submitter. Criteria: ACMG Guidelines, 2015. Collection method: clinical testing. Allele origin: germline. Inheritance: Autosomal dominant inheritance. Observed: 1 variant allele, 1 heterozygote.
Comment: This variant causes an A to C nucleotide substitution at the +4 position of intron 102 of the RYR1 gene. To our knowledge, functional studies have not been reported for this variant. This variant has not been reported in individuals affected with RYR1-related disorders in the literature. This variant has not been identified in the general population by the Genome Aggregation Database (gnomAD). The available evidence is insufficient to determine the role of this variant in disease conclusively. Therefore, this variant is classified as a Variant of Uncertain Significance.

This study involves interpretation of variants in research participants for the purpose of population health screening. Participant phenotype was not available at the time of variant classification. Additional details can be found in publication PMID: 35346344, PMCID: PMC8962531

Literature cited by the submitters: PubMed 17576681 (cited by Labcorp Genetics (formerly Invitae), Labcorp); PubMed 9536098 (cited by Labcorp Genetics (formerly Invitae), Labcorp).